The following is an entry in ClinVar:

NM_000553.6(WRN):c.3059G>A (p.Arg1020His)

Gene: WRN (WRN RecQ like helicase; plus strand). Cytogenetic location: 8p12.
Variant type: single nucleotide variant.
Coding change: c.3059G>A on transcript NM_000553.6 (MANE Select); coding-DNA position 3059, G replaced by A.
Protein change: p.Arg1020His; replaces arginine 1020 with histidine.
Molecular consequence: missense variant.
Genome position (GRCh38, 1-based): chr8:31,141,521, G>A. VCF-style: chr8-31141521-G-A. GRCh37 (hg19) VCF-style: chr8-30999037-G-A.
Other names: short protein forms R1020H.
Identifiers: ClinVar variation 404055 (VCV000404055.18), dbSNP rs115298665, ClinGen allele CA4704927.

ClinVar aggregate classification (germline): Conflicting classifications of pathogenicity. Review status: criteria provided, conflicting classifications (1 of 4 stars). 4 submissions from 4 submitters: Uncertain significance (1); Likely benign (2). 1 of the submissions does not count toward it. Last evaluated 2026-01-28.

Conditions:
WRN-related disorder. Also called: WRN-related condition.
Werner syndrome (WRN). Identifiers: Orphanet 902, MedGen C0043119, MONDO:0010196, OMIM 277700.

Allele frequency attached by ClinVar (database versions not stated): gnomAD exomes 0.00010 and 0.00019; ExAC 0.00028; 1000 Genomes Project 30x 0.00031; 1000 Genomes Project 0.00040; TOPMed 0.00065; gnomAD 0.00071 and 0.00074; ESP Exome Variant Server 0.00077.
gnomAD v4.1: 253 of 1,614,064 alleles (0.016%); highest among the groups gnomAD compares: African/African-American, 0.21%; no homozygotes.

Submissions (4):

Labcorp Genetics (formerly Invitae), Labcorp
Classification: Likely benign for Werner syndrome. Last evaluated: 2026-01-28. Review status: criteria provided, single submitter. Criteria: Invitae Variant Classification Sherloc (09022015). Collection method: clinical testing. Allele origin: germline.

Blueprint Genetics
Classification: Likely benign. Last evaluated: 2024-08-06. Review status: criteria provided, single submitter. Criteria: ACMG Guidelines, 2015. Collection method: clinical testing. Allele origin: germline.

Illumina Laboratory Services, Illumina
Classification: Uncertain significance for Werner syndrome. Last evaluated: 2018-01-13. Review status: criteria provided, single submitter. Criteria: ICSL Variant Classification Criteria 13 December 2019. Collection method: clinical testing. Allele origin: germline.

PreventionGenetics, part of Exact Sciences
Classification: Likely benign for WRN-related condition. Last evaluated: 2022-02-11. Review status: no assertion criteria provided. Collection method: clinical testing. Allele origin: germline. Not counted in ClinVar's aggregate classification.
Comment: This variant is classified as likely benign based on ACMG/AMP sequence variant interpretation guidelines (Richards et al. 2015 PMID: 25741868, with internal and published modifications).